The following is an entry in ClinVar:

ClinVar aggregate classification (germline): Uncertain significance (1 of 4 stars; one submission).

gnomAD v4.1: 7 of 1,594,496 alleles (0.00044%); highest among the groups gnomAD compares: South Asian, 0.0046%; no homozygotes.

Submission:

Labcorp Genetics (formerly Invitae), Labcorp
Classification: Uncertain significance. Last evaluated: 2021-04-18. Review status: criteria provided, single submitter. Criteria: Invitae Variant Classification Sherloc (09022015). Collection method: clinical testing. Allele origin: germline.
Comment: This sequence change replaces threonine with methionine at codon 544 of the NEDD4L protein (p.Thr544Met). The threonine residue is moderately conserved and there is a moderate physicochemical difference between threonine and methionine. This variant is not present in population databases (ExAC no frequency). This variant has not been reported in the literature in individuals with NEDD4L-related conditions. Algorithms developed to predict the effect of missense changes on protein structure and function are either unavailable or do not agree on the potential impact of this missense change (SIFT: "Deleterious"; PolyPhen-2: "Benign"; Align-GVGD: "Class C0"). In summary, the available evidence is currently insufficient to determine the role of this variant in disease. Therefore, it has been classified as a Variant of Uncertain Significance.

NM_001144967.3(NEDD4L):c.1691C>T (p.Thr564Met)

Gene: NEDD4L (NEDD4 like E3 ubiquitin protein ligase; plus strand). Cytogenetic location: 18q21.31.
Variant type: single nucleotide variant.
Coding change: c.1691C>T on transcript NM_001144967.3 (MANE Select); coding-DNA position 1691, C replaced by T.
Protein change: p.Thr564Met; replaces threonine 564 with methionine.
Molecular consequence: missense variant.
Genome position (GRCh38, 1-based): chr18:58,351,028, C>T. VCF-style: chr18-58351028-C-T. GRCh37 (hg19) VCF-style: chr18-56018260-C-T.
Other names: c.1328C>T, p.Thr443Met (NM_001144964.1, NM_001144965.2, NM_001144966.3); c.1667C>T, p.Thr556Met (NM_001144968.2); c.1607C>T, p.Thr536Met (NM_001144969.2); c.1268C>T, p.Thr423Met (NM_001144970.3, NM_001144971.2); c.1499C>T, p.Thr500Met (NM_001243960.2); c.1631C>T, p.Thr544Met (NM_015277.6); short protein forms T536M, T544M, T564M, T443M, T500M, T423M, T556M.
Identifiers: ClinVar variation 1520320 (VCV001520320.8), dbSNP rs769198983, ClinGen allele CA402540983.